The following is an entry in ClinVar:

ClinVar aggregate classification (germline): Pathogenic/Likely pathogenic. Review status: criteria provided, multiple submitters, no conflicts (2 of 4 stars). 4 submissions from 4 submitters: Pathogenic (3); Likely pathogenic (1). Last evaluated 2022-08-06.

Conditions:
Cerebral cavernous malformation (CCM). Also called: Cerebral cavernous malformations; CAVERNOUS ANGIOMA, FAMILIAL; CAVERNOUS ANGIOMATOUS MALFORMATIONS; Cavernous Hemangioma of Brain; CEREBRAL CAPILLARY MALFORMATIONS; Cerebral cavernous hemangioma (type). Identifiers: Orphanet 221061, MedGen C2919945, MONDO:0000820, OMIM 116860, HP:0033522.

Submissions (4):

Labcorp Genetics (formerly Invitae), Labcorp
Classification: Pathogenic for Cerebral cavernous malformation. Last evaluated: 2022-08-06. Review status: criteria provided, single submitter. Criteria: Invitae Variant Classification Sherloc (09022015). Collection method: clinical testing. Allele origin: germline.
Comment: For these reasons, this variant has been classified as Pathogenic. Algorithms developed to predict the effect of sequence changes on RNA splicing suggest that this variant may disrupt the consensus splice site. ClinVar contains an entry for this variant (Variation ID: 590752). Disruption of this splice site has been observed in individual(s) with personal and/or family history of cerebral cavernous malformations (PMID: 28645800, 30161288). This variant is not present in population databases (gnomAD no frequency). This sequence change affects a donor splice site in intron 9 of the KRIT1 gene. It is expected to disrupt RNA splicing. Variants that disrupt the donor or acceptor splice site typically lead to a loss of protein function (PMID: 16199547), and loss-of-function variants in KRIT1 are known to be pathogenic (PMID: 10508515, 11222804, 12404106, 24689081).

CeGaT Center for Human Genetics Tuebingen
Classification: Pathogenic. Last evaluated: 2022-08-01. Review status: criteria provided, single submitter. Criteria: CeGaT Center For Human Genetics Tuebingen Variant Classification Criteria Version 2. Collection method: clinical testing. Allele origin: germline. Affected: yes. Observed: 1 variant allele.
Comment: KRIT1: PVS1, PM2

Greenwood Genetic Center Diagnostic Laboratories, Greenwood Genetic Center
Classification: Pathogenic for Cerebral cavernous malformation. Last evaluated: 2022-05-26. Review status: criteria provided, single submitter. Criteria: ACMG Guidelines, 2015. Collection method: clinical testing. Allele origin: germline. Affected: yes.
Comment: PVS1, PS4_Moderate, PM2

PreventionGenetics, part of Exact Sciences
Classification: Likely pathogenic. Last evaluated: 2017-07-25. Review status: criteria provided, single submitter. Criteria: ACMG Guidelines, 2015. Collection method: clinical testing. Allele origin: germline.

Literature cited by the submitters: PubMed 28645800 (cited by Labcorp Genetics (formerly Invitae), Labcorp); PubMed 30161288 (cited by Labcorp Genetics (formerly Invitae), Labcorp); PubMed 16199547 (cited by Labcorp Genetics (formerly Invitae), Labcorp); PubMed 10508515 (cited by Labcorp Genetics (formerly Invitae), Labcorp); PubMed 11222804 (cited by Labcorp Genetics (formerly Invitae), Labcorp); PubMed 12404106 (cited by Labcorp Genetics (formerly Invitae), Labcorp); PubMed 24689081 (cited by Labcorp Genetics (formerly Invitae), Labcorp).

NM_194454.3(KRIT1):c.729+1G>A

Gene: KRIT1 (KRIT1 ankyrin repeat containing; minus strand). Cytogenetic location: 7q21.2.
Variant type: single nucleotide variant.
Coding change: c.729+1G>A on transcript NM_194454.3 (MANE Select); the canonical splice donor site of the intron after coding-DNA position 729, G replaced by A.
Molecular consequence: splice donor variant. On other transcripts: intron variant (1).
Genome position (GRCh38, 1-based): chr7:92,235,402, C>T on the plus strand (G>A on the coding strand, the complement: KRIT1 is on the minus strand). VCF-style: chr7-92235402-C-T. GRCh37 (hg19) VCF-style: chr7-91864716-C-T.
Other names: c.729+1G>A (NM_001350672.1, NM_001350676.1, NM_001350673.1 and 29 more transcripts); c.15+132G>A (NM_001350671.1).
Identifiers: ClinVar variation 590752 (VCV000590752.44), dbSNP rs1563305064, ClinGen allele CA368159257.